The following is an entry in ClinVar:

NM_182914.3(SYNE2):c.14798A>G (p.Asp4933Gly)

Gene: SYNE2 (spectrin repeat containing nuclear envelope protein 2; plus strand). Cytogenetic location: 14q23.2.
Variant type: single nucleotide variant.
Coding change: c.14798A>G on transcript NM_182914.3 (MANE Select); coding-DNA position 14798, A replaced by G.
Protein change: p.Asp4933Gly; replaces aspartic acid 4933 with glycine.
Molecular consequence: missense variant.
Genome position (GRCh38, 1-based): chr14:64,137,938, A>G. VCF-style: chr14-64137938-A-G. GRCh37 (hg19) VCF-style: chr14-64604656-A-G.
Other names: c.14798A>G, p.Asp4933Gly (NM_015180.6); short protein forms D4933G.
Identifiers: ClinVar variation 1373224 (VCV001373224.6), dbSNP rs2153688211, ClinGen allele CA389937789.

ClinVar aggregate classification (germline): Uncertain significance (1 of 4 stars; one submission).

Conditions:
Emery-Dreifuss muscular dystrophy 5, autosomal dominant (EDMD5). Also called: EMERY-DREIFUSS MUSCULAR DYSTROPHY 5. Identifiers: Orphanet 261, MedGen C2751805, MONDO:0013072, OMIM 612999.

Submission:

Labcorp Genetics (formerly Invitae), Labcorp
Classification: Uncertain significance for Emery-Dreifuss muscular dystrophy 5, autosomal dominant. Last evaluated: 2021-08-07. Review status: criteria provided, single submitter. Criteria: Invitae Variant Classification Sherloc (09022015). Collection method: clinical testing. Allele origin: germline.
Comment: This variant is not present in population databases (ExAC no frequency). This variant has not been reported in the literature in individuals affected with SYNE2-related conditions. Algorithms developed to predict the effect of missense changes on protein structure and function are either unavailable or do not agree on the potential impact of this missense change (SIFT: "Tolerated"; PolyPhen-2: "Probably Damaging"; Align-GVGD: "Class C0"). In summary, the available evidence is currently insufficient to determine the role of this variant in disease. Therefore, it has been classified as a Variant of Uncertain Significance. This sequence change replaces aspartic acid with glycine at codon 4933 of the SYNE2 protein (p.Asp4933Gly). The aspartic acid residue is moderately conserved and there is a moderate physicochemical difference between aspartic acid and glycine.